The following is an entry in ClinVar:

NM_000701.8(ATP1A1):c.2448+3G>A

Genes: ATP1A1 (ATPase Na+/K+ transporting subunit alpha 1; plus strand), ATP1A1-AS1 (ATP1A1 antisense RNA 1; minus strand). Cytogenetic location: 1p13.1.
Variant type: single nucleotide variant.
Coding change: c.2448+3G>A on transcript NM_000701.8 (MANE Select); 3 bases into the intron after coding-DNA position 2448, G replaced by A.
Molecular consequence: intron variant. On other transcripts: non-coding transcript variant (1).
Genome position (GRCh38, 1-based): chr1:116,399,087, G>A. VCF-style: chr1-116399087-G-A. GRCh37 (hg19) VCF-style: chr1-116941709-G-A.
Other names: c.2448+3G>A (NM_001160233.2); c.2355+3G>A (NM_001160234.2).
Identifiers: ClinVar variation 2894489 (VCV002894489.3), dbSNP rs763917443, ClinGen allele CA1025538.
Genomic context (GRCh38, chr1:116,399,087, plus strand): 5'-CATTCCACTACCACTGGGGACTGTCACCATCCTCTGCATTGACTTGGGCACTGACATGGT[G>A]AGTGTCACAACAGTCACAGATCGATAGTAGTGAGGTGTGAGCTGTGTCTTCATTCACTGG-3'

ClinVar aggregate classification (germline): Uncertain significance (1 of 4 stars; one submission).

Allele frequency attached by ClinVar (database versions not stated): gnomAD exomes below 0.00001; ExAC 0.00001.
gnomAD v4.1: 4 of 1,614,138 alleles (0.00025%); highest among the groups gnomAD compares: Non-Finnish European, 0.00025%; no homozygotes.

Submission:

Labcorp Genetics (formerly Invitae), Labcorp
Classification: Uncertain significance. Last evaluated: 2024-02-16. Review status: criteria provided, single submitter. Criteria: Invitae Variant Classification Sherloc (09022015). Collection method: clinical testing. Allele origin: germline.
Comment: This sequence change falls in intron 17 of the ATP1A1 gene. It does not directly change the encoded amino acid sequence of the ATP1A1 protein. It affects a nucleotide within the consensus splice site. This variant is present in population databases (rs763917443, gnomAD 0.0009%). This variant has not been reported in the literature in individuals affected with ATP1A1-related conditions. Variants that disrupt the consensus splice site are a relatively common cause of aberrant splicing (PMID: 17576681, 9536098). Algorithms developed to predict the effect of sequence changes on RNA splicing suggest that this variant is not likely to affect RNA splicing. In summary, the available evidence is currently insufficient to determine the role of this variant in disease. Therefore, it has been classified as a Variant of Uncertain Significance.

Literature cited by the submitters: PubMed 17576681; PubMed 9536098.